The following is an entry in ClinVar:

NM_001367624.2(ZNF469):c.10141C>T (p.Leu3381=)

Gene: ZNF469 (zinc finger protein 469; plus strand). Cytogenetic location: 16q24.2.
Variant type: single nucleotide variant.
Coding change: c.10141C>T on transcript NM_001367624.2 (MANE Select); coding-DNA position 10141, C replaced by T.
Protein change: p.Leu3381=; no amino-acid change (leucine 3381 retained).
Molecular consequence: synonymous variant.
Genome position (GRCh38, 1-based): chr16:88,437,611, C>T. VCF-style: chr16-88437611-C-T. GRCh37 (hg19) VCF-style: chr16-88504019-C-T.
Other names: NM_001127464.1:c.10057C>T; NM_001127464.2:c.10057C>T.
Identifiers: ClinVar variation 1780185 (VCV001780185.8), dbSNP rs903724765, ClinGen allele CA286386155.

ClinVar aggregate classification (germline): Likely benign. Review status: criteria provided, multiple submitters, no conflicts (2 of 4 stars). 4 submissions from 4 submitters: Likely benign (3). 1 of the submissions does not count toward it. Last evaluated 2026-06-29.

Conditions:
ZNF469-related disorder. Also called: ZNF469-related condition.
Cardiovascular phenotype. Identifiers: MedGen CN230736.

Allele frequency attached by ClinVar (database versions not stated): gnomAD 0.00004; TOPMed 0.00014; gnomAD exomes 0.00001.
gnomAD v4.1: 17 of 1,538,014 alleles (0.0011%); highest among the groups gnomAD compares: Admixed American, 0.026%; no homozygotes.

Submissions (4):

Women's Health and Genetics/Laboratory Corporation of America, LabCorp
Classification: Likely benign. Last evaluated: 2026-06-29. Review status: criteria provided, single submitter. Criteria: LabCorp Variant Classification Summary - May 2015. Collection method: clinical testing. Allele origin: germline.

Labcorp Genetics (formerly Invitae), Labcorp
Classification: Likely benign. Last evaluated: 2025-10-06. Review status: criteria provided, single submitter. Criteria: Invitae Variant Classification Sherloc (09022015). Collection method: clinical testing. Allele origin: germline.

Ambry Genetics
Classification: Likely benign for Cardiovascular phenotype. Last evaluated: 2019-10-04. Review status: criteria provided, single submitter. Criteria: Ambry Variant Classification Scheme 2023. Collection method: clinical testing. Allele origin: germline.

PreventionGenetics, part of Exact Sciences
Classification: Likely benign for ZNF469-related condition. Last evaluated: 2019-08-19. Review status: no assertion criteria provided. Collection method: clinical testing. Allele origin: germline. Not counted in ClinVar's aggregate classification.
Comment: This variant is classified as likely benign based on ACMG/AMP sequence variant interpretation guidelines (Richards et al. 2015 PMID: 25741868, with internal and published modifications).